The following is an entry in ClinVar:

ClinVar aggregate classification (germline): Likely benign (1 of 4 stars; one submission).

Allele frequency attached by ClinVar (database versions not stated): TOPMed 0.00007; gnomAD 0.00010; 1000 Genomes Project 30x 0.00016.
gnomAD v4.1: 251 of 1,208,734 alleles (0.021%); highest among the groups gnomAD compares: Non-Finnish European, 0.025%; no homozygotes.

Submission:

CeGaT Center for Human Genetics Tuebingen
Classification: Likely benign. Last evaluated: 2023-03-01. Review status: criteria provided, single submitter. Criteria: CeGaT Center For Human Genetics Tuebingen Variant Classification Criteria Version 2. Collection method: clinical testing. Allele origin: germline. Affected: yes. Observed: 1 variant allele.
Comment: KANK3: BP4, BP7

NM_198471.3(KANK3):c.537C>T (p.Gly179=)

Genes: KANK3 (KN motif and ankyrin repeat domains 3; minus strand), LOC130063418 (ATAC-STARR-seq lymphoblastoid silent region 10017; plus strand). Cytogenetic location: 19p13.2.
Variant type: single nucleotide variant.
Coding change: c.537C>T on transcript NM_198471.3 (MANE Select); coding-DNA position 537, C replaced by T.
Protein change: p.Gly179=; no amino-acid change (glycine 179 retained).
Molecular consequence: synonymous variant.
Genome position (GRCh38, 1-based): chr19:8,335,290, G>A on the plus strand (C>T on the coding strand, the complement: KANK3 is on the minus strand). VCF-style: chr19-8335290-G-A. GRCh37 (hg19) VCF-style: chr19-8400174-G-A.
Identifiers: ClinVar variation 2649196 (VCV002649196.24), dbSNP rs929081825, ClinGen allele CA304966650.